The following is an entry in ClinVar:

NM_000136.3(FANCC):c.341_342del (p.Ile114fs)

Gene: FANCC (FA complementation group C; minus strand). Cytogenetic location: 9q22.32.
Variant type: Deletion.
Coding change: c.341_342del on transcript NM_000136.3 (MANE Select); coding-DNA positions 341 to 342, 2 bases deleted (TA; older notation c.341_342delTA).
Protein change: p.Ile114fs; shifts the reading frame from isoleucine 114.
Molecular consequence: frameshift variant.
Genome position (GRCh38, 1-based): chr9:95,240,652-95,240,653, TA deleted on the plus strand (TA on the coding strand, the reverse complement: FANCC is on the minus strand); deleting any 2 consecutive bases within chr9:95,240,652-95,240,654 gives the same sequence; the c. name uses the placement nearest the transcript's 3' end. VCF-style (leftmost placement, unchanged base first): chr9-95240651-GTA-G. GRCh37 (hg19) VCF-style: chr9-98002933-GTA-G.
Other names: c.341_342del, p.Ile114fs (NM_001243744.2, NM_001243743.2); c.341_342delTA (NM_000136.2); short protein forms I114fs.
Identifiers: ClinVar variation 1731168 (VCV001731168.2), dbSNP rs2542753846, ClinGen allele CA2580080691.

ClinVar aggregate classification (germline): Pathogenic (1 of 4 stars; one submission).

Conditions:
Hereditary cancer-predisposing syndrome. Also called: Neoplastic Syndromes, Hereditary; Tumor predisposition; Hereditary Cancer Syndrome; Hereditary neoplastic syndrome. Identifiers: Orphanet 140162, MedGen C0027672, MeSH D009386, MONDO:0015356.

Submission:

Ambry Genetics
Classification: Pathogenic for Hereditary cancer-predisposing syndrome. Last evaluated: 2021-10-05. Review status: criteria provided, single submitter. Criteria: Ambry Variant Classification Scheme 2023. Collection method: clinical testing. Allele origin: germline.
Comment: The c.341_342delTA variant, located in coding exon 3 of the FANCC gene, results from a deletion of two nucleotides at nucleotide positions 341 to 342, causing a translational frameshift with a predicted alternate stop codon (p.I114Tfs*14). This alteration is expected to result in loss of function by premature protein truncation or nonsense-mediated mRNA decay. As such, this alteration is interpreted as a disease-causing mutation.